The following is an entry in ClinVar:

NM_002335.4(LRP5):c.3655C>T (p.Arg1219Cys)

Gene: LRP5 (LDL receptor related protein 5; plus strand). Cytogenetic location: 11q13.2.
Variant type: single nucleotide variant.
Coding change: c.3655C>T on transcript NM_002335.4 (MANE Select); coding-DNA position 3655, C replaced by T.
Protein change: p.Arg1219Cys; replaces arginine 1219 with cysteine.
Molecular consequence: missense variant.
Genome position (GRCh38, 1-based): chr11:68,429,592, C>T. VCF-style: chr11-68429592-C-T. GRCh37 (hg19) VCF-style: chr11-68197060-C-T.
Other names: c.1912C>T, p.Arg638Cys (NM_001291902.2); c.3655C>T (NM_002335.2); short protein forms R1219C, R638C.
Identifiers: ClinVar variation 546680 (VCV000546680.55), dbSNP rs139847357, ClinGen allele CA6150072.

ClinVar aggregate classification (germline): Uncertain significance. Review status: criteria provided, multiple submitters, no conflicts (2 of 4 stars). 7 submissions from 7 submitters: Uncertain significance (7). Last evaluated 2025-06-12.

Conditions:
Bone mineral density quantitative trait locus 1 (BMND1). Identifiers: MedGen C1866079, OMIM 601884.
Exudative vitreoretinopathy 4 (EVR4). Identifiers: Orphanet 891, MedGen C1866176, MONDO:0011151, OMIM 601813.
Exudative vitreoretinopathy 1 (EVR1). Also called: CRISWICK-SCHEPENS SYNDROME; FEVR, AUTOSOMAL DOMINANT; Familial exudative vitreoretinopathy, autosomal dominant. Identifiers: Orphanet 891, Orphanet 90050, MedGen C1851402, MONDO:0007589, OMIM 133780.
Autosomal dominant osteopetrosis 1 (OPTA1). Also called: OSTEOPETROSIS, AUTOSOMAL DOMINANT, TYPE I. Identifiers: Orphanet 2783, MedGen C1843330, MONDO:0011877, OMIM 607634.
Osteoporosis. Identifiers: MedGen C0029456, MONDO:0005298, OMIM 166710, HP:0000939.
Polycystic liver disease 4 with or without kidney cysts. Identifiers: MedGen C4693479, MONDO:0044327, OMIM 617875.
Worth disease. Also called: ENDOSTEAL HYPEROSTOSIS, AUTOSOMAL DOMINANT; OSTEOSCLEROSIS, AUTOSOMAL DOMINANT; Autosomal dominant osteosclerosis, Worth type. Identifiers: Orphanet 2790, MedGen C0432273, MONDO:0007764, OMIM 144750.
Osteoporosis with pseudoglioma (OPPG). Also called: osteoporosis-pseudoglioma syndrome. Identifiers: Orphanet 2788, MedGen C0432252, MONDO:0009820, OMIM 259770.
LRP5-related disorder. Also called: LRP5-related condition.
Inborn genetic diseases. Identifiers: MedGen C0950123, MeSH D030342.

Allele frequency attached by ClinVar (database versions not stated): gnomAD exomes 0.00002; ExAC 0.00003; gnomAD 0.00006 and 0.00007; ESP Exome Variant Server 0.00008; TOPMed 0.00009.
gnomAD v4.1: 33 of 1,614,008 alleles (0.002%); highest among the groups gnomAD compares: African/African-American, 0.027%; no homozygotes.

Submissions (7):

Labcorp Genetics (formerly Invitae), Labcorp
Classification: Uncertain significance. Last evaluated: 2025-06-12. Review status: criteria provided, single submitter. Criteria: Invitae Variant Classification Sherloc (09022015). Collection method: clinical testing. Allele origin: germline.
Comment: This sequence change replaces arginine, which is basic and polar, with cysteine, which is neutral and slightly polar, at codon 1219 of the LRP5 protein (p.Arg1219Cys). This variant is present in population databases (rs139847357, gnomAD 0.02%). This missense change has been observed in individual(s) with clinical features of exudative vitreoretinopathy (internal data). ClinVar contains an entry for this variant (Variation ID: 546680). Invitae Evidence Modeling of protein sequence and biophysical properties (such as structural, functional, and spatial information, amino acid conservation, physicochemical variation, residue mobility, and thermodynamic stability) indicates that this missense variant is not expected to disrupt LRP5 protein function with a negative predictive value of 95%. In summary, the available evidence is currently insufficient to determine the role of this variant in disease. Therefore, it has been classified as a Variant of Uncertain Significance.

PreventionGenetics, part of Exact Sciences
Classification: Uncertain significance for LRP5-related condition. Last evaluated: 2025-05-01. Review status: criteria provided, single submitter. Criteria: ACMG Guidelines, 2015. Collection method: clinical testing. Allele origin: germline.
Comment: The LRP5 c.3655C>T variant is predicted to result in the amino acid substitution p.Arg1219Cys. To our knowledge, this variant has not been reported in the literature. This variant is reported in 0.016% of alleles in individuals of African descent in gnomAD. A different variant at the same amino acid position, c.3656G>A, p.(Arg1219His), has been reported in an individual with retinopathy of prematurity (Kondo et al. 2013. PubMed ID: 23441120). At this time, the clinical significance of this variant is uncertain due to the absence of conclusive functional and genetic evidence.

GeneDx
Classification: Uncertain significance. Last evaluated: 2025-04-27. Review status: criteria provided, single submitter. Criteria: GeneDx Variant Classification Process June 2021. Collection method: clinical testing. Allele origin: germline. Affected: yes.
Comment: In silico analysis supports that this missense variant has a deleterious effect on protein structure/function; Has not been previously published as pathogenic or benign to our knowledge

Ambry Genetics
Classification: Uncertain significance for Inborn genetic diseases. Last evaluated: 2025-04-15. Review status: criteria provided, single submitter. Criteria: Ambry Variant Classification Scheme 2023. Collection method: clinical testing. Allele origin: germline.

Blueprint Genetics
Classification: Uncertain significance. Last evaluated: 2022-09-13. Review status: criteria provided, single submitter. Criteria: ACMG Guidelines, 2015. Collection method: clinical testing. Allele origin: germline.

Fulgent Genetics
Classification: Uncertain significance for Exudative vitreoretinopathy 1; Worth disease; Osteoporosis; Osteoporosis with pseudoglioma; Exudative vitreoretinopathy 4; Bone mineral density quantitative trait locus 1; Autosomal dominant osteopetrosis 1; Polycystic liver disease 4 with or without kidney cysts. Last evaluated: 2021-10-23. Review status: criteria provided, single submitter. Criteria: ACMG Guidelines, 2015. Collection method: clinical testing. Allele origin: unknown.

CeGaT Center for Human Genetics Tuebingen
Classification: Uncertain significance. Last evaluated: 2018-03-01. Review status: criteria provided, single submitter. Criteria: CeGaT Center For Human Genetics Tuebingen Variant Classification Criteria Version 2. Collection method: clinical testing. Allele origin: germline. Affected: yes. Observed: 1 variant allele.